The following is an entry in ClinVar:

ClinVar aggregate classification (germline): Pathogenic (1 of 4 stars; one submission).

Conditions:
Peroxisome biogenesis disorder, complementation group 7 (CG7). Also called: Peroxisome biogenesis disorder, complementation group B. Identifiers: MedGen C1864399.

Submission:

Labcorp Genetics (formerly Invitae), Labcorp
Classification: Pathogenic for Peroxisome biogenesis disorder, complementation group 7. Last evaluated: 2025-07-13. Review status: criteria provided, single submitter. Criteria: Invitae Variant Classification Sherloc (09022015). Collection method: clinical testing. Allele origin: germline.
Comment: This sequence change creates a premature translational stop signal (p.Gly228Argfs*9) in the PEX10 gene. It is expected to result in an absent or disrupted protein product. Loss-of-function variants in PEX10 are known to be pathogenic (PMID: 9683594, 10862081, 21031596). This variant is not present in population databases (gnomAD no frequency). This variant has not been reported in the literature in individuals affected with PEX10-related conditions. For these reasons, this variant has been classified as Pathogenic.

Literature cited by the submitters: PubMed 9683594; PubMed 10862081; PubMed 21031596.

NM_002617.4(PEX10):c.621dup (p.Gly208fs)

Gene: PEX10 (peroxisomal biogenesis factor 10; minus strand). Cytogenetic location: 1p36.32.
Variant type: Duplication.
Coding change: c.621dup on transcript NM_002617.4 (MANE Select); coding-DNA position 621, one base duplicated (C; older notation c.621dupC).
Protein change: p.Gly208fs; shifts the reading frame from glycine 208.
Molecular consequence: frameshift variant. On other transcripts: non-coding transcript variant (1).
Genome position (GRCh38, 1-based): chr1:2,406,875, G duplicated on the plus strand (C on the coding strand, the reverse complement: PEX10 is on the minus strand); the first of 3 consecutive G bases (chr1:2,406,875-2,406,877); duplicating any one gives the same sequence. VCF-style (leftmost placement, unchanged base first): chr1-2406874-C-CG. GRCh37 (hg19) VCF-style: chr1-2338313-C-CG.
Other names: c.678dup, p.Gly227fs (NM_001374425.1); c.246dup, p.Gly83fs (NM_001374426.1); c.189dup, p.Gly64fs (NM_001374427.1); c.681dup, p.Gly228fs (NM_153818.2); short protein forms G208fs, G227fs, G228fs, G64fs, G83fs.
Identifiers: ClinVar variation 4804074 (VCV004804074.1).